The following is an entry in ClinVar:

NM_014055.4(IFT81):c.149T>G (p.Leu50Arg)

Gene: IFT81 (intraflagellar transport 81; plus strand). Cytogenetic location: 12q24.11.
Variant type: single nucleotide variant.
Coding change: c.149T>G on transcript NM_014055.4 (MANE Select); coding-DNA position 149, T replaced by G.
Protein change: p.Leu50Arg; replaces leucine 50 with arginine.
Molecular consequence: missense variant. On other transcripts: 5 prime UTR variant (2), non-coding transcript variant (4).
Genome position (GRCh38, 1-based): chr12:110,128,050, T>G. VCF-style: chr12-110128050-T-G. GRCh37 (hg19) VCF-style: chr12-110565855-T-G.
Other names: c.149T>G, p.Leu50Arg (NM_001143779.2, NM_001347946.2, NM_031473.4); c.-618T>G (NM_001347947.2, NM_001347948.2); short protein forms L50R.
Identifiers: ClinVar variation 1424553 (VCV001424553.8), dbSNP rs2137292295, ClinGen allele CA386906891.

ClinVar aggregate classification (germline): Uncertain significance (1 of 4 stars; one submission).

Submission:

Labcorp Genetics (formerly Invitae), Labcorp
Classification: Uncertain significance. Last evaluated: 2022-02-15. Review status: criteria provided, single submitter. Criteria: Invitae Variant Classification Sherloc (09022015). Collection method: clinical testing. Allele origin: germline.
Comment: This variant is not present in population databases (gnomAD no frequency). In summary, the available evidence is currently insufficient to determine the role of this variant in disease. Therefore, it has been classified as a Variant of Uncertain Significance. Algorithms developed to predict the effect of missense changes on protein structure and function (SIFT, PolyPhen-2, Align-GVGD) all suggest that this variant is likely to be tolerated. This variant has not been reported in the literature in individuals affected with IFT81-related conditions. This sequence change replaces leucine, which is neutral and non-polar, with arginine, which is basic and polar, at codon 50 of the IFT81 protein (p.Leu50Arg).